The following is an entry in ClinVar:

ClinVar aggregate classification (germline): Uncertain significance. Review status: criteria provided, multiple submitters, no conflicts (2 of 4 stars). 3 submissions from 3 submitters: Uncertain significance (3). Last evaluated 2025-11-03.

Conditions:
Atypical hemolytic-uremic syndrome. Identifiers: Orphanet 2134, MedGen C2931788, MONDO:0016244.
Complement component 3 deficiency. Identifiers: Orphanet 280133, MedGen C3151071, MONDO:0013417, OMIM 613779.
C3 glomerulonephritis. Also called: C3 GLOMERULOPATHY 3; Nephropathy due to CFHR5 Deficiency. Identifiers: Orphanet 329931, MedGen C4055342, MONDO:0013892, OMIM 614809.

Allele frequency attached by ClinVar (database versions not stated): gnomAD exomes 0.00001 and 0.00002; ExAC 0.00002; gnomAD 0.00014 and 0.00016; ESP Exome Variant Server 0.00015; TOPMed 0.00015; 1000 Genomes Project 30x 0.00016; 1000 Genomes Project 0.00020.

Submissions (3):

Labcorp Genetics (formerly Invitae), Labcorp
Classification: Uncertain significance. Last evaluated: 2025-11-03. Review status: criteria provided, single submitter. Criteria: Invitae Variant Classification Sherloc (09022015). Collection method: clinical testing. Allele origin: germline.
Comment: This sequence change replaces glycine, which is neutral and non-polar, with aspartic acid, which is acidic and polar, at codon 542 of the C3 protein (p.Gly542Asp). This variant is present in population databases (rs143887460, gnomAD 0.03%). This missense change has been observed in individual(s) with nephropathy with microangiopathic lesions (PMID: 35685318). ClinVar contains an entry for this variant (Variation ID: 1407978). Invitae Evidence Modeling of protein sequence and biophysical properties (such as structural, functional, and spatial information, amino acid conservation, physicochemical variation, residue mobility, and thermodynamic stability) indicates that this missense variant is not expected to disrupt C3 protein function with a negative predictive value of 80%. In summary, the available evidence is currently insufficient to determine the role of this variant in disease. Therefore, it has been classified as a Variant of Uncertain Significance.

Genomenon, Inc
Classification: Uncertain significance for Complement component 3 deficiency; C3 glomerulonephritis; Atypical hemolytic-uremic syndrome. Last evaluated: 2025-09-30. Review status: criteria provided, single submitter. Criteria: Genomenon Sequence Variant Interpretation Standards. Collection method: curation. Allele origin: germline. Affected: no.
Comment: C3 p.Gly542Asp (c.1625G>A) is a missense variant that changes the amino acid at residue 542 from Glycine to Aspartic acid. This variant has been reported in the published literature (PMID:29563339). It is absent or not present at a significant frequency in gnomAD. In silico models agree that this variant is not damaging. In conclusion, we classify C3 p.Gly542Asp (c.1625G>A) as a variant of unknown significance.

Mayo Clinic Laboratories, Mayo Clinic
Classification: Uncertain significance. Last evaluated: 2024-12-11. Review status: criteria provided, single submitter. Criteria: ACMG Guidelines, 2015. Collection method: clinical testing. Allele origin: germline. Observed: 2 variant alleles.
Comment: BP4

Literature cited by the submitters: PubMed 35685318 (cited by Labcorp Genetics (formerly Invitae), Labcorp and Mayo Clinic Laboratories, Mayo Clinic); PubMed 29563339 (cited by Genomenon, Inc and Mayo Clinic Laboratories, Mayo Clinic).

NM_000064.4(C3):c.1625G>A (p.Gly542Asp)

Gene: C3 (complement C3; minus strand). Cytogenetic location: 19p13.3.
Variant type: single nucleotide variant.
Coding change: c.1625G>A on transcript NM_000064.4 (MANE Select); coding-DNA position 1625, G replaced by A.
Protein change: p.Gly542Asp; replaces glycine 542 with aspartic acid.
Molecular consequence: missense variant.
Genome position (GRCh38, 1-based): chr19:6,710,700, C>T on the plus strand (G>A on the coding strand, the complement: C3 is on the minus strand). VCF-style: chr19-6710700-C-T. GRCh37 (hg19) VCF-style: chr19-6710711-C-T.
Other names: p.Gly542Asp; short protein forms G542D.
Identifiers: ClinVar variation 1407978 (VCV001407978.11), dbSNP rs143887460, ClinGen allele CA9129391.